The following is an entry in ClinVar:

NM_001364905.1(LRBA):c.6447_6448del (p.Arg2149fs)

Gene: LRBA (LPS responsive beige-like anchor protein; minus strand). Cytogenetic location: 4q31.3.
Variant type: Microsatellite.
Coding change: c.6447_6448del on transcript NM_001364905.1 (MANE Select); coding-DNA positions 6447 to 6448, 2 bases deleted (AG; older notation c.6447_6448delAG).
Protein change: p.Arg2149fs; shifts the reading frame from arginine 2149.
Molecular consequence: frameshift variant.
Genome position (GRCh38, 1-based): chr4:150,490,918-150,490,919, CT deleted on the plus strand (AG on the coding strand, the reverse complement: LRBA is on the minus strand); deleting any 2 consecutive bases within chr4:150,490,918-150,490,921 gives the same sequence; the c. name uses the placement nearest the transcript's 3' end. VCF-style (leftmost placement, unchanged base first): chr4-150490917-CCT-C. GRCh37 (hg19) VCF-style: chr4-151412069-CCT-C.
Other names: c.6445_6446AG[1], p.Arg2149Serfs (NM_001199282.3); c.6447_6448del, p.Arg2149fs (NM_001367550.1); c.6478_6479AG[1], p.Arg2160Serfs (NM_006726.5); short protein forms R2149fs, R2160fs.
Identifiers: ClinVar variation 626223 (VCV000626223.2), dbSNP rs1561254290, ClinGen allele CA913189660.
Genomic context (GRCh38, chr4:150,490,917, plus strand): 5'-AAATGAAATCTTAAAGAGATGGAAGTTAGCTCTGTAACAACGTATTTCTGTAACACATTA[CCT>C]CTGTTTGCCATAAAGATCTCCAGGGCTGTATTTTGCAAAAGATAACGACGAGAAAAGATT-3'

ClinVar aggregate classification (germline): Likely pathogenic (1 of 4 stars; one submission).

Conditions:
Combined immunodeficiency due to LRBA deficiency. Also called: Common variable immunodeficiency 8, with autoimmunity. Identifiers: Orphanet 445018, MedGen C3553512, MONDO:0013863, OMIM 614700.

Submission:

Center for Genomics, Ann and Robert H. Lurie Children's Hospital of Chicago
Classification: Likely pathogenic for Combined immunodeficiency due to LRBA deficiency. Last evaluated: 2021-11-23. Review status: criteria provided, single submitter. Criteria: ACMG Guidelines, 2015. Collection method: clinical testing. Allele origin: germline.
Comment: LRBA NM_006726 exon 42 p.Arg2160fs (c.6480_6481del): This variant has not been reported in the literature and is not present in large control databases. Evolutionary conservation and computational predictive tools for this variant are limited or unavailable. This variant is a deletion of 2 nucleotides and creates a premature stop codon 18 amino acids downstream from this location which results in an absent or abnormal protein. Loss of function (LOF) variants have been reported in association with disease with this gene, but there is insufficent evidence for LOF as an established disease mechanism. In summary, data on this variant is suspicious for disease, but requires further evidence for pathogenicity. Therefore, this variant classified as Likely Pathogenic .